The following is an entry in ClinVar:

NM_001008537.3(NEXMIF):c.4405C>T (p.Arg1469Ter)

Gene: NEXMIF (neurite extension and migration factor; minus strand). Cytogenetic location: Xq13.3.
Variant type: single nucleotide variant.
Coding change: c.4405C>T on transcript NM_001008537.3 (MANE Select); coding-DNA position 4405, C replaced by T.
Protein change: p.Arg1469Ter; replaces arginine 1469 with a stop codon.
Molecular consequence: nonsense.
Genome position (GRCh38, 1-based): chrX:74,740,152, G>A on the plus strand (C>T on the coding strand, the complement: NEXMIF is on the minus strand). VCF-style: chrX-74740152-G-A. GRCh37 (hg19) VCF-style: chrX-73959987-G-A.
Other names: short protein forms R1469*.
Identifiers: ClinVar variation 856581 (VCV000856581.9), dbSNP rs763067676, ClinGen allele CA10454833.

ClinVar aggregate classification (germline): Conflicting classifications of pathogenicity. Review status: criteria provided, conflicting classifications (1 of 4 stars). 2 submissions from 2 submitters: Uncertain significance (1); Likely benign (1). Last evaluated 2024-09-23.

Conditions:
X-linked intellectual disability, Cantagrel type (XLID98). Also called: INTELLECTUAL DEVELOPMENTAL DISORDER, X-LINKED 98. Identifiers: Orphanet 85277, MedGen C3806730, MONDO:0010483, OMIM 300912.

Allele frequency attached by ClinVar (database versions not stated): gnomAD 0.00001; gnomAD exomes 0.00001; TOPMed 0.00001; ExAC 0.00002.
gnomAD v4.1: 10 of 1,208,192 alleles (0.00083%); highest among the groups gnomAD compares: Admixed American, 0.0066%; no homozygotes.

Submissions (2):

Victorian Clinical Genetics Services, Murdoch Childrens Research Institute
Classification: Likely benign for X-linked intellectual disability, Cantagrel type. Last evaluated: 2024-09-23. Review status: criteria provided, single submitter. Criteria: ACMG Guidelines, 2015. Collection method: clinical testing. Allele origin: germline. Inheritance: X-linked dominant inheritance. Affected: yes.
Comment: Based on the classification scheme VCGS_Germline_v1.3.4, this variant is classified as Likely benign. Following criteria are met: 0102 - Loss of function is a known mechanism of disease in this gene and is associated with intellectual developmental disorder, X-linked 98 (MIM#300912). (I) 0110 - This gene is associated with X-linked dominant disease. (I) 0115 - Variants in this gene are known to have variable expressivity. Males were found to be more severely affected and females tend to have a broader phenotypic spectrum, which is likely due to random X-chromosome inactivation (PMIDs: 27358180, 33144681). (I) 0205 - Variant is predicted to result in a truncated protein (premature termination codon is NOT located at least 54 nucleotides upstream of the final exon-exon junction) with less than 1/3 of the protein sequence affected. (SP) 0253 - This variant is hemizygous. (I) 0308 - Population frequency for this variant is out of keeping with known incidence of intellectual developmental disorder, X-linked 98 (MIM#300912). (SB) 0604 - Variant is not located in an established domain, motif, hotspot or informative constraint region. (I) 0708 - Other protein truncating variants comparable to the one identified in this case have conflicting previous evidence for pathogenicity. Two downstream protein truncating variants, p.(Glu1470*) and p.(Ala1480Valfs*6), have been reported as pathogenic and VUS respectively (ClinVar, DECIPHER). The p.(Glu1470*) variant was reported as hemizygous and maternally inherited in a patient with reflux, duane anomaly, cryptorchidism, IUGR, blepharophimosis and skeletal anomalies (DECIPHER). (I) 0809 - Previous evidence of pathogenicity for this variant is inconclusive. This variant has been reported as VUS in ClinVar. (I) 0905 - No published segregation evidence has been identified for this variant. (I) 1007 - No published functional evidence has been identified for this variant. (I) Legend: (SP) - Supporting pathogenic, (I) - Information, (SB) - Supporting benign

Labcorp Genetics (formerly Invitae), Labcorp
Classification: Uncertain significance. Last evaluated: 2024-04-10. Review status: criteria provided, single submitter. Criteria: Invitae Variant Classification Sherloc (09022015). Collection method: clinical testing. Allele origin: germline.
Comment: This sequence change creates a premature translational stop signal (p.Arg1469*) in the NEXMIF gene. It is expected to result in an absent or disrupted protein product. Loss-of-function variants in NEXMIF are known to be pathogenic (PMID: 23615299). This variant is present in population databases (rs763067676, gnomAD 0.01%), including at least one homozygous and/or hemizygous individual. This premature translational stop signal has been observed in individual(s) with neurodevelopmental disorder (PMID: 33004838). ClinVar contains an entry for this variant (Variation ID: 856581). Algorithms developed to predict the effect of sequence changes on RNA splicing suggest that this variant may disrupt the consensus splice site. In summary, the available evidence is currently insufficient to determine the role of this variant in disease. Therefore, it has been classified as a Variant of Uncertain Significance.

Literature cited by the submitters: PubMed 27358180 (cited by Victorian Clinical Genetics Services, Murdoch Childrens Research Institute); PubMed 33144681 (cited by Victorian Clinical Genetics Services, Murdoch Childrens Research Institute); PubMed 23615299 (cited by Labcorp Genetics (formerly Invitae), Labcorp); PubMed 33004838 (cited by Labcorp Genetics (formerly Invitae), Labcorp).